The following is an entry in ClinVar:

NM_000443.4(ABCB4):c.1894-60AC[15]

Gene: ABCB4 (ATP binding cassette subfamily B member 4; minus strand). Cytogenetic location: 7q21.12.
Variant type: Microsatellite.
Coding change: c.1894-60AC[15] on transcript NM_000443.4 (MANE Select); 15 copies in a row of the 2-base unit AC starting at c.1894-60; the reference has 18 copies in a row; three copies, 6 bases deleted.
Molecular consequence: intron variant.
Genome position (GRCh38, 1-based): chr7:87,426,945-87,426,950, GTGTGT deleted on the plus strand (ACACAC on the coding strand, the reverse complement: ABCB4 is on the minus strand); deleting any 6 consecutive bases within chr7:87,426,945-87,426,980 gives the same sequence; the position shown is the placement nearest the transcript's 3' end. VCF-style (leftmost placement, unchanged base first): chr7-87426944-AGTGTGT-A. GRCh37 (hg19) VCF-style: chr7-87056260-AGTGTGT-A.
Other names: p.?; c.1894-60AC[15] (NM_018850.3, NM_018849.3); c.1894-30_1894-25del (NM_000443.4).
Identifiers: ClinVar variation 4683286 (VCV004683286.1).

ClinVar aggregate classification (germline): Likely benign (1 of 4 stars; one submission).

Submission:

Mayo Clinic Laboratories, Mayo Clinic
Classification: Likely benign. Last evaluated: 2025-05-07. Review status: criteria provided, single submitter. Criteria: ACMG Guidelines, 2015. Collection method: clinical testing. Allele origin: germline. Observed: 1 variant allele.
Comment: BP4, BP7, PM2_supporting